The following is an entry in ClinVar:

ClinVar aggregate classification (germline): Uncertain significance (1 of 4 stars; one submission).

Conditions:
Hereditary cancer-predisposing syndrome. Also called: Neoplastic Syndromes, Hereditary; Tumor predisposition; Hereditary Cancer Syndrome; Hereditary neoplastic syndrome. Identifiers: Orphanet 140162, MedGen C0027672, MeSH D009386, MONDO:0015356.

gnomAD v4.1: 3 of 1,614,214 alleles (0.00019%); highest among the groups gnomAD compares: Non-Finnish European, 0.00025%; no homozygotes.

Submission:

Ambry Genetics
Classification: Uncertain significance for Hereditary cancer-predisposing syndrome. Last evaluated: 2025-11-03. Review status: criteria provided, single submitter. Criteria: Ambry Variant Classification Scheme 2023. Collection method: clinical testing. Allele origin: germline.
Comment: The p.F1241L variant (also known as c.3723T>A), located in coding exon 18 of the BLM gene, results from a T to A substitution at nucleotide position 3723. The phenylalanine at codon 1241 is replaced by leucine, an amino acid with highly similar properties. This amino acid position is conserved. In addition, this alteration is predicted to be deleterious by in silico analysis. Based on the available evidence, the clinical significance of this variant remains unclear.

NM_000057.4(BLM):c.3723T>A (p.Phe1241Leu)

Gene: BLM (BLM RecQ like helicase; plus strand). Cytogenetic location: 15q26.1.
Variant type: single nucleotide variant.
Coding change: c.3723T>A on transcript NM_000057.4 (MANE Select); coding-DNA position 3723, T replaced by A.
Protein change: p.Phe1241Leu; replaces phenylalanine 1241 with leucine.
Molecular consequence: missense variant. On other transcripts: intron variant (1).
Genome position (GRCh38, 1-based): chr15:90,804,331, T>A. VCF-style: chr15-90804331-T-A. GRCh37 (hg19) VCF-style: chr15-91347561-T-A.
Other names: c.3723T>A, p.Phe1241Leu (NM_001287246.2); c.2598T>A, p.Phe866Leu (NM_001287248.2); c.3359-4806T>A (NM_001287247.2); short protein forms F1241L, F866L.
Identifiers: ClinVar variation 4622756 (VCV004622756.1).
Genomic context (GRCh38, chr15:90,804,331, plus strand): 5'-ACTTACAGAAGTCTGCAAATCTCTGGGGAAAGTTTTTGGTGTCCATTACTTCAATATTTT[T>A]AATACCGTCACTCTCAAGAAGCTTGCAGGTGGGTACACATGTATCCTTTGTTACGTGGCA-3'
Protein context (NP_000048.1, residues 1231-1251): KVFGVHYFNI[Phe1241Leu]NTVTLKKLAE